The following is an entry in ClinVar:

NM_020937.4(FANCM):c.1596T>G (p.Phe532Leu)

Gene: FANCM (FA complementation group M; plus strand). Cytogenetic location: 14q21.2.
Variant type: single nucleotide variant.
Coding change: c.1596T>G on transcript NM_020937.4 (MANE Select); coding-DNA position 1596, T replaced by G.
Protein change: p.Phe532Leu; replaces phenylalanine 532 with leucine.
Molecular consequence: missense variant.
Genome position (GRCh38, 1-based): chr14:45,164,373, T>G. VCF-style: chr14-45164373-T-G. GRCh37 (hg19) VCF-style: chr14-45633576-T-G.
Other names: c.1518T>G, p.Phe506Leu (NM_001308133.2); c.1596T>G, p.Phe532Leu (NM_001308134.2); short protein forms F506L, F532L.
Identifiers: ClinVar variation 3713376 (VCV003713376.2).
Genomic context (GRCh38, chr14:45,164,373, plus strand): 5'-TCTCTTACATTTGCATGTAGTTATTTTTCAATTGTTTTTATTTTAGGTAGTGAAACAGTT[T>G]CGTGACGGTGGTTACAACACGCTGGTTTCTACCTGTGTGGGTGAAGAAGGTTTGGATATA-3'
Protein context (NP_065988.1, residues 522-542): QKEQLEVVKQ[Phe532Leu]RDGGYNTLVS

ClinVar aggregate classification (germline): Uncertain significance (1 of 4 stars; one submission).

Conditions:
Fanconi anemia (FA). Also called: Fanconi's anemia. Identifiers: Orphanet 84, MedGen C0015625, MeSH D005199, MONDO:0019391.

gnomAD v4.1: 1 of 1,612,560 alleles (0.000062%); highest among the groups gnomAD compares: Non-Finnish European, 0.000085%; no homozygotes.

Submission:

Labcorp Genetics (formerly Invitae), Labcorp
Classification: Uncertain significance for Fanconi anemia. Last evaluated: 2024-09-19. Review status: criteria provided, single submitter. Criteria: Invitae Variant Classification Sherloc (09022015). Collection method: clinical testing. Allele origin: germline.
Comment: This sequence change replaces phenylalanine, which is neutral and non-polar, with leucine, which is neutral and non-polar, at codon 532 of the FANCM protein (p.Phe532Leu). This variant is not present in population databases (gnomAD no frequency). This variant has not been reported in the literature in individuals affected with FANCM-related conditions. An algorithm developed to predict the effect of missense changes on protein structure and function (PolyPhen-2) suggests that this variant is likely to be disruptive. In summary, the available evidence is currently insufficient to determine the role of this variant in disease. Therefore, it has been classified as a Variant of Uncertain Significance.